The following is an entry in ClinVar:

NM_000384.3(APOB):c.9436C>T (p.Pro3146Ser)

Gene: APOB (apolipoprotein B; minus strand). Cytogenetic location: 2p24.1.
Variant type: single nucleotide variant.
Coding change: c.9436C>T on transcript NM_000384.3 (MANE Select); coding-DNA position 9436, C replaced by T.
Protein change: p.Pro3146Ser; replaces proline 3146 with serine.
Molecular consequence: missense variant.
Genome position (GRCh38, 1-based): chr2:21,007,432, G>A on the plus strand (C>T on the coding strand, the complement: APOB is on the minus strand). VCF-style: chr2-21007432-G-A. GRCh37 (hg19) VCF-style: chr2-21230304-G-A.
Other names: short protein forms P3146S.
Identifiers: ClinVar variation 3368616 (VCV003368616.1).

ClinVar aggregate classification (germline): Uncertain significance (1 of 4 stars; one submission).

Submission:

GeneDx
Classification: Uncertain significance. Last evaluated: 2024-01-31. Review status: criteria provided, single submitter. Criteria: GeneDx Variant Classification Process June 2021. Collection method: clinical testing. Allele origin: germline. Affected: yes.
Comment: Not observed at significant frequency in large population cohorts (gnomAD); In silico analysis supports that this missense variant does not alter protein structure/function; Has not been previously published as pathogenic or benign to our knowledge